The following is an entry in ClinVar:

NM_001286445.3(RIPOR2):c.1164+361C>T

Gene: RIPOR2 (RHO family interacting cell polarization regulator 2; minus strand). Cytogenetic location: 6p22.3.
Variant type: single nucleotide variant.
Coding change: c.1164+361C>T on transcript NM_001286445.3 (MANE Select); 361 bases into the intron after coding-DNA position 1164, C replaced by T.
Molecular consequence: intron variant. On other transcripts: missense variant (1).
Genome position (GRCh38, 1-based): chr6:24,847,664, G>A on the plus strand (C>T on the coding strand, the complement: RIPOR2 is on the minus strand). VCF-style: chr6-24847664-G-A. GRCh37 (hg19) VCF-style: chr6-24847892-G-A.
Other names: c.1105C>T, p.Pro369Ser (NM_014722.5); c.1077+361C>T (NM_001346031.2, NM_001346032.2, NM_015864.5 and 1 more transcripts); c.1179+361C>T (NM_001286446.3); short protein forms P369S.
Identifiers: ClinVar variation 3682071 (VCV003682071.2).

ClinVar aggregate classification (germline): Uncertain significance (1 of 4 stars; one submission).

gnomAD v4.1: 1 of 1,551,682 alleles (0.000064%); highest among the groups gnomAD compares: Non-Finnish European, 0.000087%; no homozygotes.

Submission:

Labcorp Genetics (formerly Invitae), Labcorp
Classification: Uncertain significance. Last evaluated: 2024-03-01. Review status: criteria provided, single submitter. Criteria: Invitae Variant Classification Sherloc (09022015). Collection method: clinical testing. Allele origin: germline.
Comment: This sequence change replaces proline, which is neutral and non-polar, with serine, which is neutral and polar, at codon 369 of the FAM65B protein (p.Pro369Ser). This variant is not present in population databases (gnomAD no frequency). This variant has not been reported in the literature in individuals affected with FAM65B-related conditions. An algorithm developed to predict the effect of missense changes on protein structure and function (PolyPhen-2) suggests that this variant is likely to be tolerated. In summary, the available evidence is currently insufficient to determine the role of this variant in disease. Therefore, it has been classified as a Variant of Uncertain Significance.